The following is an entry in ClinVar:

ClinVar aggregate classification (germline): Benign/Likely benign. Review status: criteria provided, multiple submitters, no conflicts (2 of 4 stars). 4 submissions from 4 submitters: Benign (1); Likely benign (3). Last evaluated 2025-11-27.

Conditions:
Developmental and epileptic encephalopathy, 65. Also called: EPILEPTIC ENCEPHALOPATHY, EARLY INFANTILE, 65. Identifiers: MedGen C4693925, MONDO:0033374, OMIM 618008.

Allele frequency attached by ClinVar (database versions not stated): gnomAD 0.00002 and 0.00024; TOPMed 0.00005; gnomAD exomes 0.00029 and 0.00068; ExAC 0.00109; 1000 Genomes Project 30x 0.00172; 1000 Genomes Project 0.00200.
gnomAD v4.1: 469 of 1,612,296 alleles (0.029%); highest among the groups gnomAD compares: South Asian, 0.46%; 5 homozygotes.

Submissions (4):

Labcorp Genetics (formerly Invitae), Labcorp
Classification: Benign. Last evaluated: 2025-11-27. Review status: criteria provided, single submitter. Criteria: Invitae Variant Classification Sherloc (09022015). Collection method: clinical testing. Allele origin: germline.

CeGaT Center for Human Genetics Tuebingen
Classification: Likely benign. Last evaluated: 2025-05-01. Review status: criteria provided, single submitter. Criteria: CeGaT Center For Human Genetics Tuebingen Variant Classification Criteria Version 2. Collection method: clinical testing. Allele origin: germline. Affected: yes. Observed: 1 variant allele.
Comment: CYFIP2: BP4, BP7, BS1

Blueprint Genetics
Classification: Likely benign. Last evaluated: 2024-10-22. Review status: criteria provided, single submitter. Criteria: ACMG Guidelines, 2015. Collection method: clinical testing. Allele origin: germline.

Fulgent Genetics
Classification: Likely benign for Developmental and epileptic encephalopathy, 65. Last evaluated: 2021-09-01. Review status: criteria provided, single submitter. Criteria: ACMG Guidelines, 2015. Collection method: clinical testing. Allele origin: unknown.

NM_001037333.3(CYFIP2):c.1299A>G (p.Glu433=)

Gene: CYFIP2 (cytoplasmic FMR1 interacting protein 2; plus strand). Cytogenetic location: 5q33.3.
Variant type: single nucleotide variant.
Coding change: c.1299A>G on transcript NM_001037333.3 (MANE Select); coding-DNA position 1299, A replaced by G.
Protein change: p.Glu433=; no amino-acid change (glutamic acid 433 retained).
Molecular consequence: synonymous variant.
Genome position (GRCh38, 1-based): chr5:157,315,037, A>G. VCF-style: chr5-157315037-A-G. GRCh37 (hg19) VCF-style: chr5-156742045-A-G.
Other names: c.1221A>G, p.Glu407= (NM_001291721.2); c.1299A>G, p.Glu433= (NM_001291722.2, NM_014376.4).
Identifiers: ClinVar variation 1571215 (VCV001571215.20), dbSNP rs372259482, ClinGen allele CA3533582.